The following is an entry in ClinVar:

ClinVar aggregate classification (germline): Likely benign (1 of 4 stars; one submission).

Conditions:
Autosomal dominant nebulin-related myopathy. Identifiers: MedGen CN379769, MONDO:1010152.

gnomAD v4.1: 458 of 1,462,624 alleles (0.031%); highest among the groups gnomAD compares: East Asian, 0.2%; no homozygotes.

Submission:

Dasa
Classification: Likely benign for Autosomal dominant nebulin-related myopathy. Last evaluated: 2025-12-22. Review status: criteria provided, single submitter. Criteria: DASA Assertion Criteria. Collection method: clinical testing. Allele origin: germline.
Comment: NM_001164508.2(NEB):c.23127+26C>G is an intronic variant. Population frequency is inconsistent with a disease-causing role for this variant. Therefore, based on the currently available evidence, this variant is classified as likely benign.

NM_001164508.2(NEB):c.23127+26C>G

Genes: RIF1 (replication timing regulatory factor 1; plus strand), NEB (nebulin; minus strand). Cytogenetic location: 2q23.3.
Variant type: single nucleotide variant.
Coding change: c.23127+26C>G on transcript NM_001164508.2 (MANE Select); 26 bases into the intron after coding-DNA position 23127, C replaced by G.
Molecular consequence: intron variant.
Genome position (GRCh38, 1-based): chr2:151,514,292, G>C on the plus strand (C>G on the coding strand, the complement: NEB is on the minus strand). VCF-style: chr2-151514292-G-C. GRCh37 (hg19) VCF-style: chr2-152370806-G-C.
Other names: c.18024+26C>G (NM_004543.5); c.23127+26C>G (NM_001164507.2); c.23232+26C>G (NM_001271208.2).
Identifiers: ClinVar variation 4884162 (VCV004884162.2).